The following is an entry in ClinVar:

ClinVar aggregate classification (germline): Conflicting classifications of pathogenicity. Review status: criteria provided, conflicting classifications (1 of 4 stars). 4 submissions from 4 submitters: Uncertain significance (1); Likely benign (2). 1 of the submissions does not count toward it. Last evaluated 2025-12-30.

Conditions:
CNGA3-related disorder. Also called: CNGA3-related condition.
Achromatopsia 2 (ACHM2). Also called: COLORBLINDNESS, TOTAL; ROD MONOCHROMACY 2; ROD MONOCHROMATISM 2. Identifiers: Orphanet 49382, MedGen C1857618, MONDO:0009003, OMIM 216900.

Allele frequency attached by ClinVar (database versions not stated): TOPMed 0.00001; gnomAD 0.00003; gnomAD exomes 0.00007; ESP Exome Variant Server 0.00008; ExAC 0.00018.
gnomAD v4.1: 45 of 1,612,750 alleles (0.0028%); highest among the groups gnomAD compares: Non-Finnish European, 0.0034%; no homozygotes.

Submissions (4):

Labcorp Genetics (formerly Invitae), Labcorp
Classification: Likely benign. Last evaluated: 2025-12-30. Review status: criteria provided, single submitter. Criteria: Invitae Variant Classification Sherloc (09022015). Collection method: clinical testing. Allele origin: germline.

Blueprint Genetics
Classification: Likely benign. Last evaluated: 2023-10-23. Review status: criteria provided, single submitter. Criteria: ACMG Guidelines, 2015. Collection method: clinical testing. Allele origin: germline.

Illumina Laboratory Services, Illumina
Classification: Uncertain significance for Achromatopsia 2. Last evaluated: 2018-01-13. Review status: criteria provided, single submitter. Criteria: ICSL Variant Classification Criteria 13 December 2019. Collection method: clinical testing. Allele origin: germline.

PreventionGenetics, part of Exact Sciences
Classification: Likely benign for CNGA3-related condition. Last evaluated: 2019-08-06. Review status: no assertion criteria provided. Collection method: clinical testing. Allele origin: germline. Not counted in ClinVar's aggregate classification.
Comment: This variant is classified as likely benign based on ACMG/AMP sequence variant interpretation guidelines (Richards et al. 2015 PMID: 25741868, with internal and published modifications).

NM_001298.3(CNGA3):c.395+9C>T

Gene: CNGA3 (cyclic nucleotide gated channel subunit alpha 3; plus strand). Cytogenetic location: 2q11.2.
Variant type: single nucleotide variant.
Coding change: c.395+9C>T on transcript NM_001298.3 (MANE Select); 9 bases into the intron after coding-DNA position 395, C replaced by T.
Molecular consequence: intron variant.
Genome position (GRCh38, 1-based): chr2:98,380,363, C>T. VCF-style: chr2-98380363-C-T. GRCh37 (hg19) VCF-style: chr2-98996826-C-T.
Other names: c.395+9C>T (NM_001079878.2).
Identifiers: ClinVar variation 897208 (VCV000897208.11), dbSNP rs375494943, ClinGen allele CA1793714.